The following is an entry in ClinVar:

NM_198252.3(GSN):c.-9-2058_-9-2047dup

Gene: GSN (gelsolin; plus strand). Cytogenetic location: 9q33.2.
Variant type: Duplication.
Coding change: c.-9-2058_-9-2047dup on transcript NM_198252.3 (MANE Select); 2058 bases into the intron before 9 bases upstream of the start codon through 2047 bases into the intron before 9 bases upstream of the start codon, 12 bases duplicated (CCCTGGCGCTGT).
Molecular consequence: intron variant. On other transcripts: inframe insertion (1).
Genome position (GRCh38, 1-based): chr9:121,299,905-121,299,916, CCCTGGCGCTGT duplicated; duplicating any 12 consecutive bases within chr9:121,299,898-121,299,916 gives the same sequence; the c. name uses the placement nearest the transcript's 3' end. VCF-style (leftmost placement, unchanged base first): chr9-121299897-C-CGCGCTGTCCCTG. GRCh37 (hg19) VCF-style: chr9-124062175-C-CGCGCTGTCCCTG.
Other names: c.-47-151_-47-140dup (NM_001353077.1, NM_001353064.2, NM_001353066.2 and 8 more transcripts); c.44_55dup, p.Ser15_Leu18dup (NM_000177.5); c.-9-2058_-9-2047dup (NM_001353054.1, NM_001353053.1, NM_001353060.2 and 5 more transcripts); c.-1-2066_-1-2055dup (NM_001353058.2, NM_001353059.2, NM_001353056.2 and 1 more transcripts); c.-38-160_-38-149dup (NM_001353073.2, NM_001353065.2, NM_001353068.2 and 2 more transcripts); c.100-2058_100-2047dup (NM_001127663.2); c.-32-166_-32-155dup (NM_001353070.2); c.-48-2019_-48-2008dup (NM_001353055.2); and 3 more.
Identifiers: ClinVar variation 1505340 (VCV001505340.9), dbSNP rs1371504521, ClinGen allele CA590214568.

ClinVar aggregate classification (germline): Uncertain significance. Review status: criteria provided, multiple submitters, no conflicts (2 of 4 stars). 2 submissions from 2 submitters: Uncertain significance (2). Last evaluated 2023-08-20.

Conditions:
Finnish type amyloidosis. Also called: Lattice corneal dystrophy associated with familial systemic amyloidosis; Meretoja's syndrome; Lattice dystrophy of the cornea with hereditary generalized amyloidosis; Amyloidosis, familial, Finnish type; Meretoja type amyloidosis; Amyloidosis 5. Identifiers: Orphanet 85448, MedGen C1622345, MONDO:0007097, OMIM 105120.

Submissions (2):

Labcorp Genetics (formerly Invitae), Labcorp
Classification: Uncertain significance. Last evaluated: 2023-08-20. Review status: criteria provided, single submitter. Criteria: Invitae Variant Classification Sherloc (09022015). Collection method: clinical testing. Allele origin: germline.
Comment: In summary, the available evidence is currently insufficient to determine the role of this variant in disease. Therefore, it has been classified as a Variant of Uncertain Significance. ClinVar contains an entry for this variant (Variation ID: 1505340). This variant has not been reported in the literature in individuals affected with GSN-related conditions. This variant is present in population databases (no rsID available, gnomAD 0.01%). This variant, c.44_55dup, results in the insertion of 4 amino acid(s) of the GSN protein (p.Ser15_Leu18dup), but otherwise preserves the integrity of the reading frame.

Fulgent Genetics
Classification: Uncertain significance for Finnish type amyloidosis. Last evaluated: 2022-03-30. Review status: criteria provided, single submitter. Criteria: ACMG Guidelines, 2015. Collection method: clinical testing. Allele origin: unknown.